The following is an entry in ClinVar:

NM_000179.3(MSH6):c.540T>G (p.Asp180Glu)

Gene: MSH6 (mutS homolog 6; plus strand). Cytogenetic location: 2p16.3.
Variant type: single nucleotide variant.
Coding change: c.540T>G on transcript NM_000179.3 (MANE Select); coding-DNA position 540, T replaced by G.
Protein change: p.Asp180Glu; replaces aspartic acid 180 with glutamic acid.
Molecular consequence: missense variant. On other transcripts: 5 prime UTR variant (1), intron variant (2).
Genome position (GRCh38, 1-based): chr2:47,795,976, T>G. VCF-style: chr2-47795976-T-G. GRCh37 (hg19) VCF-style: chr2-48023115-T-G.
Other names: c.-363T>G (NM_001281494.2); c.-279-2635T>G (NM_001281493.2); c.238-2635T>G (NM_001281492.2); short protein forms D180E.
Identifiers: ClinVar variation 579511 (VCV000579511.9), dbSNP rs1800935, ClinGen allele CA346738723.

ClinVar aggregate classification (germline): Uncertain significance. Review status: criteria provided, multiple submitters, no conflicts (2 of 4 stars). 3 submissions from 3 submitters: Uncertain significance (3). Last evaluated 2025-03-17.

Conditions:
Hereditary cancer-predisposing syndrome. Also called: Neoplastic Syndromes, Hereditary; Tumor predisposition; Hereditary neoplastic syndrome; Hereditary Cancer Syndrome. Identifiers: Orphanet 140162, MedGen C0027672, MeSH D009386, MONDO:0015356.
Hereditary nonpolyposis colorectal neoplasms. Identifiers: MedGen C0009405, MeSH D003123.

Submissions (3):

Color Diagnostics, LLC DBA Color Health
Classification: Uncertain significance for Hereditary cancer-predisposing syndrome. Last evaluated: 2025-03-17. Review status: criteria provided, single submitter. Criteria: ACMG Guidelines, 2015. Collection method: clinical testing. Allele origin: germline.
Comment: This missense variant replaces aspartic acid with glutamic acid at codon 180 of the MSH6 protein. Computational prediction suggests that this variant may not impact protein structure and function (internally defined REVEL score threshold <= 0.5, PMID: 27666373). To our knowledge, functional studies have not been reported for this variant. This variant has not been reported in individuals affected with MSH6-related disorders in the literature. This variant has not been identified in the general population by the Genome Aggregation Database (gnomAD). The available evidence is insufficient to determine the role of this variant in disease conclusively. Therefore, this variant is classified as a Variant of Uncertain Significance.

Ambry Genetics
Classification: Uncertain significance for Hereditary cancer-predisposing syndrome. Last evaluated: 2024-04-16. Review status: criteria provided, single submitter. Criteria: Ambry Variant Classification Scheme 2023. Collection method: clinical testing. Allele origin: germline.
Comment: The p.D180E variant (also known as c.540T>G), located in coding exon 3 of the MSH6 gene, results from a T to G substitution at nucleotide position 540. The aspartic acid at codon 180 is replaced by glutamic acid, an amino acid with highly similar properties. This amino acid position is highly conserved in available vertebrate species. In addition, this alteration is predicted to be tolerated by in silico analysis. Based on the available evidence, the clinical significance of this variant remains unclear.

Labcorp Genetics (formerly Invitae), Labcorp
Classification: Uncertain significance for Hereditary nonpolyposis colorectal neoplasms. Last evaluated: 2021-08-24. Review status: criteria provided, single submitter. Criteria: Invitae Variant Classification Sherloc (09022015). Collection method: clinical testing. Allele origin: germline.
Comment: This sequence change replaces aspartic acid with glutamic acid at codon 180 of the MSH6 protein (p.Asp180Glu). The aspartic acid residue is moderately conserved and there is a small physicochemical difference between aspartic acid and glutamic acid. This variant is not present in population databases (ExAC no frequency). This variant has not been reported in the literature in individuals affected with MSH6-related conditions. Algorithms developed to predict the effect of missense changes on protein structure and function are either unavailable or do not agree on the potential impact of this missense change (SIFT: "Tolerated"; PolyPhen-2: "Probably Damaging"; Align-GVGD: "Class C0"). In summary, the available evidence is currently insufficient to determine the role of this variant in disease. Therefore, it has been classified as a Variant of Uncertain Significance.